The following is an entry in ClinVar:

ClinVar aggregate classification (germline): Conflicting classifications of pathogenicity. Review status: criteria provided, conflicting classifications (1 of 4 stars). 4 submissions from 4 submitters: Uncertain significance (2); Likely benign (2). Last evaluated 2025-06-26.

Conditions:
Telangiectasia, hereditary hemorrhagic, type 5 (HHT5). Identifiers: Orphanet 774, MedGen C3809710, MONDO:0014217, OMIM 615506.
Cardiovascular phenotype. Identifiers: MedGen CN230736.

Allele frequency attached by ClinVar (database versions not stated): gnomAD exomes 0.00003; ExAC 0.00006; gnomAD 0.00007; TOPMed 0.00009; ESP Exome Variant Server 0.00015.

Submissions (4):

Ambry Genetics
Classification: Likely benign for Cardiovascular phenotype. Last evaluated: 2025-06-26. Review status: criteria provided, single submitter. Criteria: Ambry Variant Classification Scheme 2023. Collection method: clinical testing. Allele origin: germline.

Labcorp Genetics (formerly Invitae), Labcorp
Classification: Uncertain significance for Telangiectasia, hereditary hemorrhagic, type 5. Last evaluated: 2024-11-19. Review status: criteria provided, single submitter. Criteria: Invitae Variant Classification Sherloc (09022015). Collection method: clinical testing. Allele origin: germline.
Comment: This sequence change replaces valine, which is neutral and non-polar, with methionine, which is neutral and non-polar, at codon 283 of the GDF2 protein (p.Val283Met). This variant is present in population databases (rs138904328, gnomAD 0.006%). This variant has not been reported in the literature in individuals affected with GDF2-related conditions. ClinVar contains an entry for this variant (Variation ID: 430360). Invitae Evidence Modeling of protein sequence and biophysical properties (such as structural, functional, and spatial information, amino acid conservation, physicochemical variation, residue mobility, and thermodynamic stability) indicates that this missense variant is not expected to disrupt GDF2 protein function with a negative predictive value of 80%. In summary, the available evidence is currently insufficient to determine the role of this variant in disease. Therefore, it has been classified as a Variant of Uncertain Significance.

Blueprint Genetics
Classification: Likely benign. Last evaluated: 2024-08-20. Review status: criteria provided, single submitter. Criteria: ACMG Guidelines, 2015. Collection method: clinical testing. Allele origin: germline.

GeneDx
Classification: Uncertain significance. Last evaluated: 2017-05-25. Review status: criteria provided, single submitter. Criteria: GeneDx Variant Classification (06012015). Collection method: clinical testing. Allele origin: germline. Affected: yes.
Comment: A variant of uncertain significance has been identified in the GDF2 gene. The V283M variant has not been published as pathogenic or been reported as benign to our knowledge. This variant has been observed in 7/66686 (90.01%) alleles from individuals of Non-Finnish European ancestry in large population cohorts (Lek et al., 2016; 1000 Genomes Consortium et al., 2015; Exome Variant Server). The V283M variant is a conservative amino acid substitution, which is not likely to impact secondary protein structure as these residues share similar properties. Additionally, this substitution occurs at a position that is not conserved across species and methionine (M) is the wild-type residue at this position in multiple mammalian species. Finally, in silico analysis predicts this variant likely does not alter the protein structure/function.

NM_016204.4(GDF2):c.847G>A (p.Val283Met)

Gene: GDF2 (growth differentiation factor 2; plus strand). Cytogenetic location: 10q11.22.
Variant type: single nucleotide variant.
Coding change: c.847G>A on transcript NM_016204.4 (MANE Select); coding-DNA position 847, G replaced by A.
Protein change: p.Val283Met; replaces valine 283 with methionine.
Molecular consequence: missense variant.
Genome position (GRCh38, 1-based): chr10:47,325,341, G>A. VCF-style: chr10-47325341-G-A. GRCh37 (hg19) VCF-style: chr10-48414021-C-T.
Other names: c.847G>A (NM_016204.1); short protein forms V283M.
Identifiers: ClinVar variation 430360 (VCV000430360.10), dbSNP rs138904328, ClinGen allele CA5488010.